The following is an entry in ClinVar:

NM_005228.5(EGFR):c.2361_2362delinsAT (p.Leu788Phe)

Genes: EGFR (epidermal growth factor receptor; plus strand), EGFR-AS1 (EGFR antisense RNA 1; minus strand). Cytogenetic location: 7p11.2.
Variant type: Indel.
Coding change: c.2361_2362delinsAT on transcript NM_005228.5 (MANE Select); coding-DNA positions 2361 to 2362, GC replaced by AT.
Protein change: p.Leu788Phe; replaces leucine 788 with phenylalanine.
Molecular consequence: missense variant. On other transcripts: non-coding transcript variant (1).
Genome position (GRCh38, 1-based): chr7:55,181,370-55,181,371, GC replaced by AT. VCF-style: chr7-55181370-GC-AT. GRCh37 (hg19) VCF-style: chr7-55249063-GC-AT.
Other names: c.2226_2227delinsAT, p.Leu743Phe (NM_001346897.2, NM_001346899.2); c.2361_2362delinsAT, p.Leu788Phe (NM_001346898.2); c.2202_2203delinsAT, p.Leu735Phe (NM_001346900.2); c.1560_1561delinsAT, p.Leu521Phe (NM_001346941.2); short protein forms L735F, L788F, L521F, L743F.
Identifiers: ClinVar variation 4730149 (VCV004730149.1).

ClinVar aggregate classification (germline): Uncertain significance (1 of 4 stars; one submission).

Conditions:
EGFR-related lung cancer (EGFR). Identifiers: MedGen CN130014.

Submission:

Labcorp Genetics (formerly Invitae), Labcorp
Classification: Uncertain significance for EGFR-related lung cancer. Last evaluated: 2025-10-29. Review status: criteria provided, single submitter. Criteria: Invitae Variant Classification Sherloc (09022015). Collection method: clinical testing. Allele origin: germline.
Comment: This sequence change replaces leucine, which is neutral and non-polar, with phenylalanine, which is neutral and non-polar, at codon 788 of the EGFR protein (p.Leu788Phe). Information on the frequency of this variant in the gnomAD database is not available, as this variant may be reported differently in the database. This variant has not been reported in the literature in individuals affected with EGFR-related conditions. Experimental studies and prediction algorithms are not available or were not evaluated, and the functional significance of this variant is currently unknown. In summary, the available evidence is currently insufficient to determine the role of this variant in disease. Therefore, it has been classified as a Variant of Uncertain Significance.